The following is an entry in ClinVar:

ClinVar aggregate classification (germline): Uncertain significance. Review status: criteria provided, multiple submitters, no conflicts (2 of 4 stars). 2 submissions from 2 submitters: Uncertain significance (2). Last evaluated 2024-01-30.

gnomAD v4.1: 4 of 1,167,154 alleles (0.00034%); highest among the groups gnomAD compares: Non-Finnish European, 0.00034%; no homozygotes.

Submissions (2):

GeneDx
Classification: Uncertain significance. Last evaluated: 2024-01-30. Review status: criteria provided, single submitter. Criteria: GeneDx Variant Classification Process June 2021. Collection method: clinical testing. Allele origin: germline. Affected: yes.
Comment: Not observed at significant frequency in large population cohorts (gnomAD); In silico analysis supports that this missense variant does not alter protein structure/function; Has not been previously published as pathogenic or benign to our knowledge

Blueprint Genetics
Classification: Uncertain significance. Last evaluated: 2022-06-17. Review status: criteria provided, single submitter. Criteria: ACMG Guidelines, 2015. Collection method: clinical testing. Allele origin: germline.

NM_001034853.2(RPGR):c.2173C>G (p.Gln725Glu)

Gene: RPGR (retinitis pigmentosa GTPase regulator; minus strand). Cytogenetic location: Xp11.4.
Variant type: single nucleotide variant.
Coding change: c.2173C>G on transcript NM_001034853.2 (MANE Select); coding-DNA position 2173, C replaced by G.
Protein change: p.Gln725Glu; replaces glutamine 725 with glutamic acid.
Molecular consequence: missense variant. On other transcripts: intron variant (8).
Genome position (GRCh38, 1-based): chrX:38,286,826, G>C on the plus strand (C>G on the coding strand, the complement: RPGR is on the minus strand). VCF-style: chrX-38286826-G-C. GRCh37 (hg19) VCF-style: chrX-38146079-G-C.
Other names: c.1569+4133C>G (NM_001367249.1, NM_001367250.1); c.1902+268C>G (NM_001367245.1); c.1386+4133C>G (NM_001367251.1); c.1719+268C>G (NM_001367246.1); c.1572+4133C>G (NM_001367247.1); c.1905+268C>G (NM_000328.3); c.1602+4133C>G (NM_001367248.1); short protein forms Q725E.
Identifiers: ClinVar variation 3368604 (VCV003368604.2).